The following is an entry in ClinVar:

ClinVar aggregate classification (germline): Uncertain significance. Review status: criteria provided, multiple submitters, no conflicts (2 of 4 stars). 5 submissions from 5 submitters: Uncertain significance (5). Last evaluated 2025-11-07.

Conditions:
Colorectal cancer, susceptibility to, 1. Also called: COLORECTAL ADENOMA AND CANCER, SUSCEPTIBILITY TO; COLORECTAL CANCER, SUSCEPTIBILITY TO, ON CHROMOSOME 9. Identifiers: MedGen C1837315, MONDO:0012132, OMIM 608812.

Allele frequency attached by ClinVar (database versions not stated): ExAC 0.00002; gnomAD exomes 0.00002 and 0.00003; gnomAD 0.00004 and 0.00005; TOPMed 0.00004; ESP Exome Variant Server 0.00008; 1000 Genomes Project 30x 0.00016; 1000 Genomes Project 0.00020.

Submissions (5):

Quest Diagnostics Nichols Institute San Juan Capistrano
Classification: Uncertain significance. Last evaluated: 2025-11-07. Review status: criteria provided, single submitter. Criteria: Quest Diagnostics criteria. Collection method: clinical testing. Allele origin: unknown.
Comment: The GALNT12 c.460C>T (p.Arg154Trp) variant has not been reported in individuals with GALNT12-related conditions in the published literature. The frequency of this variant in the general population (Genome Aggregation Database) is uninformative in the assessment of its pathogenicity. Analysis of this variant using bioinformatics tools for the prediction of the effect of amino acid changes on protein structure and function yielded predictions that this variant is damaging. Based on the available information, we are unable to determine the clinical significance of this variant.

Blueprint Genetics
Classification: Uncertain significance. Last evaluated: 2024-11-22. Review status: criteria provided, single submitter. Criteria: ACMG Guidelines, 2015. Collection method: clinical testing. Allele origin: germline.

Ambry Genetics
Classification: Uncertain significance. Last evaluated: 2024-08-30. Review status: criteria provided, single submitter. Criteria: Ambry Variant Classification Scheme 2023. Collection method: clinical testing. Allele origin: germline.
Comment: The p.R154W variant (also known as c.460C>T), located in coding exon 2 of the GALNT12 gene, results from a C to T substitution at nucleotide position 460. The arginine at codon 154 is replaced by tryptophan, an amino acid with dissimilar properties. This amino acid position is highly conserved in available vertebrate species. In addition, this alteration is predicted to be deleterious by in silico analysis. Since supporting evidence is limited at this time, the clinical significance of this alteration remains unclear.

Baylor Genetics
Classification: Uncertain significance for Colorectal cancer, susceptibility to, 1. Last evaluated: 2024-01-16. Review status: criteria provided, single submitter. Criteria: ACMG Guidelines, 2015. Collection method: clinical testing. Allele origin: unknown.

Labcorp Genetics (formerly Invitae), Labcorp
Classification: Uncertain significance. Last evaluated: 2023-12-21. Review status: criteria provided, single submitter. Criteria: Invitae Variant Classification Sherloc (09022015). Collection method: clinical testing. Allele origin: germline.
Comment: This sequence change replaces arginine, which is basic and polar, with tryptophan, which is neutral and slightly polar, at codon 154 of the GALNT12 protein (p.Arg154Trp). This variant is present in population databases (rs146834885, gnomAD 0.007%). This variant has not been reported in the literature in individuals affected with GALNT12-related conditions. ClinVar contains an entry for this variant (Variation ID: 241514). Advanced modeling of protein sequence and biophysical properties (such as structural, functional, and spatial information, amino acid conservation, physicochemical variation, residue mobility, and thermodynamic stability) performed at Invitae indicates that this missense variant is expected to disrupt GALNT12 protein function with a positive predictive value of 80%. Algorithms developed to predict the effect of sequence changes on RNA splicing suggest that this variant may disrupt the consensus splice site. In summary, the available evidence is currently insufficient to determine the role of this variant in disease. Therefore, it has been classified as a Variant of Uncertain Significance.

NM_024642.5(GALNT12):c.460C>T (p.Arg154Trp)

Gene: GALNT12 (polypeptide N-acetylgalactosaminyltransferase 12; plus strand). Cytogenetic location: 9q22.33.
Variant type: single nucleotide variant.
Coding change: c.460C>T on transcript NM_024642.5 (MANE Select); coding-DNA position 460, C replaced by T.
Protein change: p.Arg154Trp; replaces arginine 154 with tryptophan.
Molecular consequence: missense variant.
Genome position (GRCh38, 1-based): chr9:98,823,344, C>T. VCF-style: chr9-98823344-C-T. GRCh37 (hg19) VCF-style: chr9-101585626-C-T.
Other names: short protein forms R154W.
Identifiers: ClinVar variation 241514 (VCV000241514.19), dbSNP rs146834885, ClinGen allele CA5153944.